The following is an entry in ClinVar:

NM_002206.3(ITGA7):c.3254G>A (p.Arg1085Gln)

Gene: ITGA7 (integrin subunit alpha 7; minus strand). Cytogenetic location: 12q13.2.
Variant type: single nucleotide variant.
Coding change: c.3254G>A on transcript NM_002206.3 (MANE Select); coding-DNA position 3254, G replaced by A.
Protein change: p.Arg1085Gln; replaces arginine 1085 with glutamine.
Molecular consequence: missense variant.
Genome position (GRCh38, 1-based): chr12:55,685,218, C>T on the plus strand (G>A on the coding strand, the complement: ITGA7 is on the minus strand). VCF-style: chr12-55685218-C-T. GRCh37 (hg19) VCF-style: chr12-56079002-C-T.
Other names: c.3266G>A, p.Arg1089Gln (NM_001144996.2); c.2975G>A, p.Arg992Gln (NM_001144997.2); c.2927G>A, p.Arg976Gln (NM_001367993.1); c.1910G>A, p.Arg637Gln (NM_001367994.1); c.3236G>A, p.Arg1079Gln (NM_001374465.1); c.3386G>A, p.Arg1129Gln (NM_001410977.1); c.3248G>A, p.Arg1083Gln (NM_001414029.1); c.3179G>A, p.Arg1060Gln (NM_001414030.1); and 6 more; short protein forms R637Q, R992Q, R1079Q, R1089Q, R1085Q, R976Q, R1129Q, R1045Q.
Identifiers: ClinVar variation 1040572 (VCV001040572.11), dbSNP rs757690460, ClinGen allele CA6615258.

ClinVar aggregate classification (germline): Uncertain significance. Review status: criteria provided, multiple submitters, no conflicts (2 of 4 stars). 4 submissions from 4 submitters: Uncertain significance (4). Last evaluated 2025-07-06.

Conditions:
Congenital muscular dystrophy due to integrin alpha-7 deficiency. Also called: MYOPATHY, CONGENITAL, DUE TO INTEGRIN ALPHA-7 DEFICIENCY; Congenital muscular dystrophy with integrin alpha-7 deficiency; Muscular dystrophy, congenital, due to ITGA7 deficiency. Identifiers: Orphanet 34520, MedGen C2750786, MONDO:0013177, OMIM 613204.

Allele frequency attached by ClinVar (database versions not stated): gnomAD 0.00002 and 0.00003; TOPMed 0.00002; gnomAD exomes 0.00003 and 0.00004; ExAC 0.00005.
gnomAD v4.1: 50 of 1,614,080 alleles (0.0031%); highest among the groups gnomAD compares: South Asian, 0.032%; 1 homozygote.

Submissions (4):

GeneDx
Classification: Uncertain significance. Last evaluated: 2025-07-06. Review status: criteria provided, single submitter. Criteria: GeneDx Variant Classification Process June 2021. Collection method: clinical testing. Allele origin: germline. Affected: yes.
Comment: In silico analysis suggests that this missense variant does not alter protein structure/function; Has not been previously published as pathogenic or benign to our knowledge

Revvity Omics, Revvity
Classification: Uncertain significance for Congenital muscular dystrophy due to integrin alpha-7 deficiency. Last evaluated: 2025-03-04. Review status: criteria provided, single submitter. Criteria: ACMG Guidelines, 2015. Collection method: clinical testing. Allele origin: germline.

Labcorp Genetics (formerly Invitae), Labcorp
Classification: Uncertain significance for Congenital muscular dystrophy due to integrin alpha-7 deficiency. Last evaluated: 2024-10-15. Review status: criteria provided, single submitter. Criteria: Invitae Variant Classification Sherloc (09022015). Collection method: clinical testing. Allele origin: germline.
Comment: This sequence change replaces arginine, which is basic and polar, with glutamine, which is neutral and polar, at codon 1085 of the ITGA7 protein (p.Arg1085Gln). This variant is present in population databases (rs757690460, gnomAD 0.03%). This variant has not been reported in the literature in individuals affected with ITGA7-related conditions. ClinVar contains an entry for this variant (Variation ID: 1040572). An algorithm developed to predict the effect of missense changes on protein structure and function (PolyPhen-2) suggests that this variant¬†is likely to be tolerated. In summary, the available evidence is currently insufficient to determine the role of this variant in disease. Therefore, it has been classified as a Variant of Uncertain Significance.

Ambry Genetics
Classification: Uncertain significance. Last evaluated: 2021-10-12. Review status: criteria provided, single submitter. Criteria: Ambry Variant Classification Scheme 2023. Collection method: clinical testing. Allele origin: germline.